The following is an entry in ClinVar:

ClinVar aggregate classification (germline): Benign/Likely benign. Review status: criteria provided, multiple submitters, no conflicts (2 of 4 stars). 8 submissions from 8 submitters: Benign (6); Likely benign (2). Last evaluated 2026-01-26.

Conditions:
Periventricular heterotopia with microcephaly, autosomal recessive (ARPHM). Also called: Periventricular heterotopia with microcephaly; PERIVENTRICULAR NODULAR HETEROTOPIA 2. Identifiers: Orphanet 2149, MedGen C1842563, MONDO:0011966, OMIM 608097.

Allele frequency attached by ClinVar (database versions not stated): ESP Exome Variant Server 0.00077; gnomAD exomes 0.00354 and 0.01504; gnomAD 0.00491 and 0.00502; 1000 Genomes Project 0.00619; 1000 Genomes Project 30x 0.00703; TOPMed 0.00883; ExAC 0.01139.
gnomAD v4.1: 5,872 of 1,614,124 alleles (0.36%); highest among the groups gnomAD compares: Admixed American, 8%; 261 homozygotes.

Submissions (8):

Labcorp Genetics (formerly Invitae), Labcorp
Classification: Benign. Last evaluated: 2026-01-26. Review status: criteria provided, single submitter. Criteria: Invitae Variant Classification Sherloc (09022015). Collection method: clinical testing. Allele origin: germline.

Athena Diagnostics
Classification: Benign. Last evaluated: 2024-07-31. Review status: criteria provided, single submitter. Criteria: Athena Diagnostics Criteria. Collection method: clinical testing. Allele origin: unknown.

Mayo Clinic Laboratories, Mayo Clinic
Classification: Benign. Last evaluated: 2018-04-10. Review status: criteria provided, single submitter. Criteria: ACMG Guidelines, 2015. Collection method: clinical testing. Allele origin: germline. Observed: 14 variant alleles.

Illumina Laboratory Services, Illumina
Classification: Likely benign for Periventricular heterotopia with microcephaly, autosomal recessive. Last evaluated: 2017-04-27. Review status: criteria provided, single submitter. Criteria: ICSL Variant Classification Criteria 13 December 2019. Collection method: clinical testing. Allele origin: germline.
Comment: This variant was observed as part of a predisposition screen in an ostensibly healthy population. A literature search was performed for the gene, cDNA change, and amino acid change (where applicable). No publications were found based on this search. Allele frequency data from public databases allowed determination this variant is unlikely to cause disease. Therefore, this variant is classified as likely benign.

GeneDx
Classification: Benign. Last evaluated: 2014-05-23. Review status: criteria provided, single submitter. Criteria: GeneDx Variant Classification (06012015). Collection method: clinical testing. Allele origin: germline. Affected: yes.
Comment: This variant is considered likely benign or benign based on one or more of the following criteria: it is a conservative change, it occurs at a poorly conserved position in the protein, it is predicted to be benign by multiple in silico algorithms, and/or has population frequency not consistent with disease.

Eurofins Ntd Llc (ga)
Classification: Benign. Last evaluated: 2014-01-06. Review status: criteria provided, single submitter. Criteria: EGL Classification Definitions 2015. Collection method: clinical testing. Allele origin: germline. Observed: 1 variant allele, 1 heterozygote.

Genetic Services Laboratory, University of Chicago
Classification: Benign for AllHighlyPenetrant. Last evaluated: 2013-07-05. Review status: criteria provided, single submitter. Criteria: ACMG Guidelines, 2007. Collection method: clinical testing. Allele origin: germline. Inheritance: Autosomal recessive inheritance.

Breakthrough Genomics
Classification: Likely benign. Review status: criteria provided, single submitter. Criteria: ACMG Guidelines, 2015. Collection method: not provided. Allele origin: germline. Inheritance: Autosomal recessive inheritance. Affected: yes.

NM_006420.3(ARFGEF2):c.423+3A>G

Gene: ARFGEF2 (ARF guanine nucleotide exchange factor 2; plus strand). Cytogenetic location: 20q13.13.
Variant type: single nucleotide variant.
Coding change: c.423+3A>G on transcript NM_006420.3 (MANE Select); 3 bases into the intron after coding-DNA position 423, A replaced by G.
Molecular consequence: intron variant.
Genome position (GRCh38, 1-based): chr20:48,951,472, A>G. VCF-style: chr20-48951472-A-G. GRCh37 (hg19) VCF-style: chr20-47568009-A-G.
Other names: p.?.
Identifiers: ClinVar variation 128440 (VCV000128440.26), dbSNP rs2295029, ClinGen allele CA151897.
Genomic context (GRCh38, chr20:48,951,472, plus strand): 5'-TTGCAGTTGTTTTCAGGGCCCTCAGACTGATGAAGGGGTTCAGTTACAAATAATTAAGGT[A>G]TGCCTATTTGTTTGCCTGTCTGGTTTTTAAATTAGAAAGCAAGTCCCTGTGGGAATCTGG-3'